The following is an entry in ClinVar:

NM_001349338.3(FOXP1):c.258G>T (p.Arg86Ser)

Gene: FOXP1 (forkhead box P1; minus strand). Cytogenetic location: 3p13.
Variant type: single nucleotide variant.
Coding change: c.258G>T on transcript NM_001349338.3 (MANE Select); coding-DNA position 258, G replaced by T.
Protein change: p.Arg86Ser; replaces arginine 86 with serine.
Molecular consequence: missense variant. On other transcripts: non-coding transcript variant (2), 5 prime UTR variant (5).
Genome position (GRCh38, 1-based): chr3:71,112,560, C>A on the plus strand (G>T on the coding strand, the complement: FOXP1 is on the minus strand). VCF-style: chr3-71112560-C-A. GRCh37 (hg19) VCF-style: chr3-71161711-C-A.
Other names: c.258G>T, p.Arg86Ser (NM_032682.6, NM_001244814.3, NM_001244816.2 and 6 more transcripts); c.-43G>T (NM_001244815.2, NM_001349337.2, NM_001349342.3 and 2 more transcripts); short protein forms R86S.
Identifiers: ClinVar variation 2822598 (VCV002822598.3), dbSNP rs1404298862, ClinGen allele CA353563178.
Genomic context (GRCh38, chr3:71,112,560, plus strand): 5'-GTATAATGTCAATTTAAAAAGAAAAAGAATTGTTACCTGAAGAGCTGGTTGTTTGTCATT[C>A]CTCTTGGGAGATTTTAATCCACTAACTTGCTGCTGCTGTTGCTGCTGAAGAAGGAGCTGT-3'
Protein context (NP_001336267.1, residues 76-96): QQVSGLKSPK[Arg86Ser]NDKQPALQVP

ClinVar aggregate classification (germline): Uncertain significance (1 of 4 stars; one submission).

Allele frequency attached by ClinVar (database versions not stated): TOPMed below 0.00001; gnomAD exomes 0.00001.
gnomAD v4.1: 3 of 1,613,922 alleles (0.00019%); highest among the groups gnomAD compares: Admixed American, 0.005%; no homozygotes.

Submission:

Labcorp Genetics (formerly Invitae), Labcorp
Classification: Uncertain significance. Last evaluated: 2023-07-29. Review status: criteria provided, single submitter. Criteria: Invitae Variant Classification Sherloc (09022015). Collection method: clinical testing. Allele origin: germline.
Comment: This variant is present in population databases (no rsID available, gnomAD 0.003%). This sequence change replaces arginine, which is basic and polar, with serine, which is neutral and polar, at codon 86 of the FOXP1 protein (p.Arg86Ser). In summary, the available evidence is currently insufficient to determine the role of this variant in disease. Therefore, it has been classified as a Variant of Uncertain Significance. Advanced modeling of protein sequence and biophysical properties (such as structural, functional, and spatial information, amino acid conservation, physicochemical variation, residue mobility, and thermodynamic stability) has been performed at Invitae for this missense variant, however the output from this modeling did not meet the statistical confidence thresholds required to predict the impact of this variant on FOXP1 protein function. This missense change has been observed in at least one individual who was not affected with FOXP1-related conditions (Invitae). This variant has not been reported in the literature in individuals affected with FOXP1-related conditions.